The following is an entry in ClinVar:

NM_004465.2(FGF10):c.240A>C (p.Arg80Ser)

Gene: FGF10 (fibroblast growth factor 10; minus strand). Cytogenetic location: 5p12.
Variant type: single nucleotide variant.
Coding change: c.240A>C on transcript NM_004465.2 (MANE Select); coding-DNA position 240, A replaced by C.
Protein change: p.Arg80Ser; replaces arginine 80 with serine.
Molecular consequence: missense variant.
Genome position (GRCh38, 1-based): chr5:44,388,443, T>G on the plus strand (A>C on the coding strand, the complement: FGF10 is on the minus strand). VCF-style: chr5-44388443-T-G. GRCh37 (hg19) VCF-style: chr5-44388545-T-G.
Other names: short protein forms R80S.
Identifiers: ClinVar variation 7534 (VCV000007534.4), dbSNP rs104893888, ClinGen allele CA118872.

ClinVar aggregate classification (germline): Conflicting classifications of pathogenicity. Review status: criteria provided, conflicting classifications (1 of 4 stars). 4 submissions from 4 submitters: Pathogenic (1); Uncertain significance (2). 1 of the submissions does not count toward it. Last evaluated 2025-05-04.

Conditions:
Levy-Hollister syndrome (LADD). Also called: LADD syndrome. Identifiers: Orphanet 2363, MedGen C0265269, MONDO:0007872.
Congenital absence of salivary gland (ALSG). Also called: Aplasia of lacrimal and salivary glands; Salivary glands, absence of. Identifiers: Orphanet 86815, MedGen C0158667, MONDO:0008397, OMIM 180920.
Inborn genetic diseases. Identifiers: MedGen C0950123, MeSH D030342.

Allele frequency attached by ClinVar (database versions not stated): TOPMed below 0.00001.

Submissions (4):

GeneDx
Classification: Uncertain significance. Last evaluated: 2025-05-04. Review status: criteria provided, single submitter. Criteria: GeneDx Variant Classification Process June 2021. Collection method: clinical testing. Allele origin: germline. Affected: yes.
Comment: Identified in a patient and affected parent with aplasia of the lacrimal and salivary glands in published literature, however, no other genes were reported to have been evaluated (PMID: 17213838); Not observed at significant frequency in large population cohorts (gnomAD); In silico analysis supports that this missense variant has a deleterious effect on protein structure/function; This variant is associated with the following publications: (PMID: 36124135, 19621416, 17213838)

Ambry Genetics
Classification: Uncertain significance for Inborn genetic diseases. Last evaluated: 2024-05-21. Review status: criteria provided, single submitter. Criteria: Ambry Variant Classification Scheme 2023. Collection method: clinical testing. Allele origin: germline.
Comment: The c.240A>C (p.R80S) alteration is located in exon 1 (coding exon 1) of the FGF10 gene. This alteration results from a A to C substitution at nucleotide position 240, causing the arginine (R) at amino acid position 80 to be replaced by a serine (S). This variant was not reported in population-based cohorts in the Genome Aggregation Database (gnomAD). This variant was reported in a father and child with reduced/absent tear production, dry mouth, and other features consistent with LADD syndrome (Entesarian, 2007). This amino acid position is highly conserved in available vertebrate species. This missense alteration is located in a region that has a low rate of benign missense variation (Lek, 2016; Firth, 2009). This alteration is predicted to be deleterious by in silico analysis. Based on insufficient or conflicting evidence, the clinical significance of this alteration remains unclear.

Center for Human Genetics, Inc
Classification: Pathogenic for Levy-Hollister syndrome. Last evaluated: 2016-11-01. Review status: criteria provided, single submitter. Criteria: ACMG Guidelines, 2015. Collection method: clinical testing. Allele origin: germline. Affected: yes.

OMIM
Classification: Pathogenic for APLASIA OF LACRIMAL AND SALIVARY GLANDS. Last evaluated: 2007-03-01. Review status: no assertion criteria provided. Collection method: literature only. Allele origin: germline. Not counted in ClinVar's aggregate classification.

Literature cited by the submitters: PubMed 17213838 (cited by Ambry Genetics and OMIM).